The following is an entry in ClinVar:

NM_198994.3(TGM6):c.945C>G (p.Asp315Glu)

Gene: TGM6 (transglutaminase 6; plus strand). Cytogenetic location: 20p13.
Variant type: single nucleotide variant.
Coding change: c.945C>G on transcript NM_198994.3 (MANE Select); coding-DNA position 945, C replaced by G.
Protein change: p.Asp315Glu; replaces aspartic acid 315 with glutamic acid.
Molecular consequence: missense variant.
Genome position (GRCh38, 1-based): chr20:2,400,400, C>G. VCF-style: chr20-2400400-C-G. GRCh37 (hg19) VCF-style: chr20-2381046-C-G.
Other names: c.945C>G, p.Asp315Glu (NM_001254734.2); short protein forms D315E.
Identifiers: ClinVar variation 1708799 (VCV001708799.2), dbSNP rs947977404, ClinGen allele CA408011734.
Genomic context (GRCh38, chr20:2,400,400, plus strand): 5'-GTCCAACTTCAACTCAGCCCACGACACAGACCAGAACCTGAGTGTGGACAAATACGTGGA[C>G]TCCTTCGGGCGGACCCTGGAGGACCTGACAGAAGACAGCATGTGGTGGGTCCTGCCCCCA-3'
Protein context (NP_945345.2, residues 305-325): DQNLSVDKYV[Asp315Glu]SFGRTLEDLT

ClinVar aggregate classification (germline): Uncertain significance (1 of 4 stars; one submission).

gnomAD v4.1: 1 of 1,614,218 alleles (0.000062%); highest among the groups gnomAD compares: Non-Finnish European, 0.000085%; no homozygotes.

Submission:

GeneDx
Classification: Uncertain significance. Last evaluated: 2022-04-08. Review status: criteria provided, single submitter. Criteria: GeneDx Variant Classification Process June 2021. Collection method: clinical testing. Allele origin: germline. Affected: yes.
Comment: Not observed at significant frequency in large population cohorts (gnomAD); In silico analysis supports that this missense variant has a deleterious effect on protein structure/function; Has not been previously published as pathogenic or benign to our knowledge